The following is an entry in ClinVar:

NM_001256317.3(TMPRSS3):c.1156G>A (p.Ala386Thr)

Gene: TMPRSS3 (transmembrane serine protease 3; minus strand). Cytogenetic location: 21q22.3.
Variant type: single nucleotide variant.
Coding change: c.1156G>A on transcript NM_001256317.3 (MANE Select); coding-DNA position 1156, G replaced by A.
Protein change: p.Ala386Thr; replaces alanine 386 with threonine.
Molecular consequence: missense variant.
Genome position (GRCh38, 1-based): chr21:42,376,576, C>T on the plus strand (G>A on the coding strand, the complement: TMPRSS3 is on the minus strand). VCF-style: chr21-42376576-C-T. GRCh37 (hg19) VCF-style: chr21-43796685-C-T.
Other names: c.1159G>A, p.Ala387Thr (NM_024022.4); c.778G>A, p.Ala260Thr (NM_032404.3); short protein forms A387T, A260T, A386T.
Identifiers: ClinVar variation 2736991 (VCV002736991.4), dbSNP rs781376204, ClinGen allele CA10042325.

ClinVar aggregate classification (germline): Pathogenic. Review status: criteria provided, multiple submitters, no conflicts (2 of 4 stars). 2 submissions from 2 submitters: Pathogenic (2). Last evaluated 2025-10-07.

Conditions:
Autosomal recessive nonsyndromic hearing loss 8 (DFNB8). Also called: NEUROSENSORY NONSYNDROMIC RECESSIVE DEAFNESS 8; Deafness, autosomal recessive 10. Identifiers: Orphanet 90636, MedGen C1832827, MONDO:0010987, OMIM 601072.

Allele frequency attached by ClinVar (database versions not stated): gnomAD exomes 0.00001; gnomAD 0.00002; TOPMed 0.00002; ExAC 0.00003.
gnomAD v4.1: 21 of 1,613,688 alleles (0.0013%); highest among the groups gnomAD compares: East Asian, 0.016%; no homozygotes.

Submissions (2):

Labcorp Genetics (formerly Invitae), Labcorp
Classification: Pathogenic. Last evaluated: 2025-10-07. Review status: criteria provided, single submitter. Criteria: Invitae Variant Classification Sherloc (09022015). Collection method: clinical testing. Allele origin: germline.
Comment: This sequence change replaces alanine, which is neutral and non-polar, with threonine, which is neutral and polar, at codon 387 of the TMPRSS3 protein (p.Ala387Thr). This variant is present in population databases (rs781376204, gnomAD 0.01%). This missense change has been observed in individual(s) with deafness (PMID: 24130743, 25770132). In at least one individual the data is consistent with being in trans (on the opposite chromosome) from a pathogenic variant. It has also been observed to segregate with disease in related individuals. ClinVar contains an entry for this variant (Variation ID: 2736991). Invitae Evidence Modeling of protein sequence and biophysical properties (such as structural, functional, and spatial information, amino acid conservation, physicochemical variation, residue mobility, and thermodynamic stability) indicates that this missense variant is expected to disrupt TMPRSS3 protein function with a positive predictive value of 95%. This variant disrupts the p.Ala387 amino acid residue in TMPRSS3. Other variant(s) that disrupt this residue have been determined to be pathogenic (internal data). This suggests that this residue is clinically significant, and that variants that disrupt this residue are likely to be disease-causing. For these reasons, this variant has been classified as Pathogenic.

Women's Health and Genetics/Laboratory Corporation of America, LabCorp
Classification: Pathogenic for Autosomal recessive nonsyndromic hearing loss 8. Last evaluated: 2024-12-20. Review status: criteria provided, single submitter. Criteria: LabCorp Variant Classification Summary - May 2015. Collection method: clinical testing. Allele origin: germline.
Comment: Variant summary: TMPRSS3 c.1159G>A (p.Ala387Thr; also described as p.Ala260Thr in the literature) results in a non-conservative amino acid change located in the serine proteases, trypsin domain (IPR001254) of the encoded protein sequence. Five of five in-silico tools predict a damaging effect of the variant on protein function. The variant allele was found at a frequency of 2e-05 in 251058 control chromosomes (gnomAD). c.1159G>A has been reported in the literature in multiple individuals affected with autosomal recessive deafness (examples: Miyagawa_2013, Garcia-Garcia_2000, Lee_2023, Colbert_2024). These data indicate that the variant is very likely to be associated with disease. To our knowledge, no experimental evidence demonstrating an impact on protein function has been reported. The following publications have been ascertained in the context of this evaluation (PMID: 24130743, 33297549, 36871673, 38691166). ClinVar contains an entry for this variant (Variation ID: 2736991). Based on the evidence outlined above, the variant was classified as pathogenic.

Literature cited by the submitters: PubMed 24130743 (cited by Labcorp Genetics (formerly Invitae), Labcorp and Women's Health and Genetics/Laboratory Corporation of America, LabCorp); PubMed 25770132 (cited by Labcorp Genetics (formerly Invitae), Labcorp); PubMed 33297549 (cited by Women's Health and Genetics/Laboratory Corporation of America, LabCorp); PubMed 38691166 (cited by Women's Health and Genetics/Laboratory Corporation of America, LabCorp); PubMed 36871673 (cited by Women's Health and Genetics/Laboratory Corporation of America, LabCorp).